The following is an entry in ClinVar:

ClinVar aggregate classification (germline): Uncertain significance (1 of 4 stars; one submission).

Allele frequency attached by ClinVar (database versions not stated): gnomAD exomes below 0.00001.
gnomAD v4.1: 1 of 1,594,224 alleles (0.000063%); highest among the groups gnomAD compares: Admixed American, 0.0017%; no homozygotes.

Submission:

Labcorp Genetics (formerly Invitae), Labcorp
Classification: Uncertain significance. Last evaluated: 2022-06-13. Review status: criteria provided, single submitter. Criteria: Invitae Variant Classification Sherloc (09022015). Collection method: clinical testing. Allele origin: germline.
Comment: Algorithms developed to predict the effect of missense changes on protein structure and function output the following: SIFT: "Tolerated"; PolyPhen-2: "Benign"; Align-GVGD: "Class C0". The proline amino acid residue is found in multiple mammalian species, which suggests that this missense change does not adversely affect protein function. In summary, the available evidence is currently insufficient to determine the role of this variant in disease. Therefore, it has been classified as a Variant of Uncertain Significance. This variant has not been reported in the literature in individuals affected with PLAA-related conditions. The frequency data for this variant in the population databases is considered unreliable, as metrics indicate poor data quality at this position in the gnomAD database. This sequence change replaces arginine, which is basic and polar, with proline, which is neutral and non-polar, at codon 15 of the PLAA protein (p.Arg15Pro).

NM_001031689.3(PLAA):c.44G>C (p.Arg15Pro)

Gene: PLAA (phospholipase A2 activating protein; minus strand). Cytogenetic location: 9p21.2.
Variant type: single nucleotide variant.
Coding change: c.44G>C on transcript NM_001031689.3 (MANE Select); coding-DNA position 44, G replaced by C.
Protein change: p.Arg15Pro; replaces arginine 15 with proline.
Molecular consequence: missense variant.
Genome position (GRCh38, 1-based): chr9:26,947,002, C>G on the plus strand (G>C on the coding strand, the complement: PLAA is on the minus strand). VCF-style: chr9-26947002-C-G. GRCh37 (hg19) VCF-style: chr9-26947000-C-G.
Other names: c.44G>C, p.Arg15Pro (NM_001321546.2); short protein forms R15P.
Identifiers: ClinVar variation 1358561 (VCV001358561.6), dbSNP rs1326469185, ClinGen allele CA373115038.